The following is an entry in ClinVar:

ClinVar aggregate classification (germline): Uncertain significance (1 of 4 stars; one submission).

gnomAD v4.1: 3 of 1,606,014 alleles (0.00019%); no homozygotes.

Submission:

Ambry Genetics
Classification: Uncertain significance. Last evaluated: 2026-03-02. Review status: criteria provided, single submitter. Criteria: Ambry Variant Classification Scheme 2023. Collection method: clinical testing. Allele origin: germline.
Comment: The c.-2G>A variant is located in the 5' untranslated region (5&rsquo; UTR) of the RNF43 gene. This variant results from a G to A substitution 2 bases upstream from the first translated codon. This nucleotide position is well conserved in available vertebrate species. The evidence for this gene-disease relationship is limited; therefore, the clinical significance of this variant is unclear.

NM_017763.6(RNF43):c.-2G>A

Gene: RNF43 (ring finger protein 43; minus strand). Cytogenetic location: 17q22.
Variant type: single nucleotide variant.
Coding change: c.-2G>A on transcript NM_017763.6 (MANE Select); 2 bases upstream of the start codon, G replaced by A.
Molecular consequence: 5 prime UTR variant. On other transcripts: intron variant (1).
Genome position (GRCh38, 1-based): chr17:58,415,579, C>T on the plus strand (G>A on the coding strand, the complement: RNF43 is on the minus strand). VCF-style: chr17-58415579-C-T. GRCh37 (hg19) VCF-style: chr17-56492940-C-T.
Other names: c.-130+1438G>A (NM_001437987.1); c.-2G>A (NM_001305544.3, NM_001438820.1, NM_001438821.1 and 1 more transcripts).
Identifiers: ClinVar variation 4844784 (VCV004844784.1).